The following is an entry in ClinVar:

ClinVar aggregate classification (germline): Pathogenic (1 of 4 stars; one submission).

Submission:

GeneDx
Classification: Pathogenic. Last evaluated: 2026-03-16. Review status: criteria provided, single submitter. Criteria: GeneDx Variant Classification Process June 2021. Collection method: clinical testing. Allele origin: germline.
Comment: Identified as a de novo variant in a patient from a large cohort of individuals with developmental and/or epileptic encephalopathy in published literature; however, detailed clinical information was not included (PMID: 31175295); Not observed at significant frequency in large population cohorts (gnomAD); In silico analysis supports that this missense variant has a deleterious effect on protein structure/function; This variant is associated with the following publications: (PMID: 31175295)

NM_001184880.2(PCDH19):c.371A>G (p.Asp124Gly)

Gene: PCDH19 (protocadherin 19; minus strand). Cytogenetic location: Xq22.1.
Variant type: single nucleotide variant.
Coding change: c.371A>G on transcript NM_001184880.2 (MANE Select); coding-DNA position 371, A replaced by G.
Protein change: p.Asp124Gly; replaces aspartic acid 124 with glycine.
Molecular consequence: missense variant.
Genome position (GRCh38, 1-based): chrX:100,408,227, T>C on the plus strand (A>G on the coding strand, the complement: PCDH19 is on the minus strand). VCF-style: chrX-100408227-T-C. GRCh37 (hg19) VCF-style: chrX-99663225-T-C.
Other names: c.371A>G, p.Asp124Gly (NM_001105243.2, NM_020766.3); short protein forms D124G.
Identifiers: ClinVar variation 4976291 (VCV004976291.1).